The following is an entry in ClinVar:

ClinVar aggregate classification (germline): Likely pathogenic (1 of 4 stars; one submission).

Conditions:
Ataxia. Identifiers: MedGen C0004134, HP:0001251.

Submissions (3):

Clinical Genetics Laboratory, Skane University Hospital Lund
Classification: Likely pathogenic for Ataxia. Last evaluated: 2026-04-24. Review status: criteria provided, single submitter. Criteria: ACMG Guidelines, 2015. Collection method: clinical testing. Allele origin: germline. Inheritance: Autosomal recessive inheritance. Affected: yes.
Comment: Detected in trans (trio analysis) with a pathogenic variant (NM_018082.6(POLR3B):c.1568T>A;p.(Val523Glu)). ACMG criteria applied: PVS1_strong, PS1_supporting, PM2, PM3.

Dr. Peter K. Rogan Lab, Western University
No classification provided (evidence only). Condition: Thyroid cancer, nonmedullary, 1. Review status: no classification provided. Collection method: in vitro. Allele origin: not applicable. Functional consequence: retained intron. Not counted in ClinVar's aggregate classification.

Dr. Peter K. Rogan Lab, Western University
No classification provided (evidence only). Condition: Thyroid cancer, nonmedullary, 1. Review status: no classification provided. Collection method: in vitro. Allele origin: not applicable. Functional consequence: retained intron. Not counted in ClinVar's aggregate classification.

NM_018082.6(POLR3B):c.1102-1G>T

Gene: POLR3B (RNA polymerase III subunit B; plus strand). Cytogenetic location: 12q23.3.
Variant type: single nucleotide variant.
Coding change: c.1102-1G>T on transcript NM_018082.6 (MANE Select); the canonical splice acceptor site of the intron before coding-DNA position 1102, G replaced by T.
Molecular consequence: splice acceptor variant.
Genome position (GRCh38, 1-based): chr12:106,427,196, G>T. VCF-style: chr12-106427196-G-T. GRCh37 (hg19) VCF-style: chr12-106820974-G-T.
Other names: NC_000012.11:g.106820974G>T; c.928-1G>T (NM_001160708.2).
Identifiers: ClinVar variation 4379126 (VCV004379126.2).